The following is an entry in ClinVar:

ClinVar aggregate classification (germline): Pathogenic (1 of 4 stars; one submission).

Submission:

Labcorp Genetics (formerly Invitae), Labcorp
Classification: Pathogenic. Last evaluated: 2023-09-21. Review status: criteria provided, single submitter. Criteria: Invitae Variant Classification Sherloc (09022015). Collection method: clinical testing. Allele origin: germline.
Comment: This variant has not been reported in the literature in individuals affected with SLC26A4-related conditions. This variant is a gross deletion of the genomic region encompassing exon(s) 3-4 of the SLC26A4 gene. This deletion is out-of-frame, and is expected to create a premature termination codon and result in an absent or disrupted protein product. Loss-of-function variants in SLC26A4 are known to be pathogenic (PMID: 16283880, 25394566, 26252218, 26445815). For these reasons, this variant has been classified as Pathogenic.

Literature cited by the submitters: PubMed 16283880; PubMed 25394566; PubMed 26252218; PubMed 26445815.

NC_000007.13:g.(?_107303728)_(107312703_?)del

Gene: SLC26A4 (solute carrier family 26 member 4; plus strand). Cytogenetic location: 7q22.3.
Variant type: Deletion.
Identifiers: ClinVar variation 2423097 (VCV002423097.4).